The following is an entry in ClinVar:

ClinVar aggregate classification (germline): Benign. Review status: criteria provided, multiple submitters, no conflicts (2 of 4 stars). 3 submissions from 3 submitters: Benign (3). Last evaluated 2019-08-18.

Conditions:
CBL-related disorder. Also called: CBL MUTATION-ASSOCIATED SYNDROME; CBL SYNDROME; NOONAN SYNDROME-LIKE DISORDER WITHOUT JUVENILE MYELOMONOCYTIC LEUKEMIA. Identifiers: Orphanet 363972, MedGen C3150803, MONDO:0013308, OMIM 613563.

Allele frequency attached by ClinVar (database versions not stated): gnomAD 0.22743 and 0.23372; 1000 Genomes Project 0.34485.

Submissions (3):

GeneDx
Classification: Benign. Last evaluated: 2019-08-18. Review status: criteria provided, single submitter. Criteria: GeneDx Variant Classification Process June 2021. Collection method: clinical testing. Allele origin: germline. Affected: yes.

Illumina Laboratory Services, Illumina
Classification: Benign for CBL-related disorder. Last evaluated: 2018-01-13. Review status: criteria provided, single submitter. Criteria: ICSL Variant Classification Criteria 13 December 2019. Collection method: clinical testing. Allele origin: germline.
Comment: This variant was observed in the ICSL laboratory as part of a predisposition screen in an ostensibly healthy population. It had not been previously curated by ICSL or reported in the Human Gene Mutation Database (HGMD: prior to June 1st, 2018), and was therefore a candidate for classification through an automated scoring system. Utilizing variant allele frequency, disease prevalence and penetrance estimates, and inheritance mode, an automated score was calculated to assess if this variant is too frequent to cause the disease. Based on the score and internal cut-off values, a variant classified as benign is not then subjected to further curation. The score for this variant resulted in a classification of benign for this disease.

Breakthrough Genomics
Classification: Benign. Review status: criteria provided, single submitter. Criteria: ACMG Guidelines, 2015. Collection method: not provided. Allele origin: germline. Inheritance: Autosomal dominant inheritance. Affected: yes.

NM_005188.3(CBL):c.-125C>T

Genes: CBL (Cbl proto-oncogene; plus strand), FRA11B (fragile site, folic acid type, rare, fra(11)(q23.3); plus strand), LOC130006894 (ATAC-STARR-seq lymphoblastoid silent region 3974; plus strand). Cytogenetic location: 11q23.3.
Variant type: single nucleotide variant.
Coding change: c.-125C>T on transcript NM_005188.3; 125 bases upstream of the start codon, C replaced by T.
Genome position (GRCh38, 1-based): chr11:119,206,293, C>T. VCF-style: chr11-119206293-C-T. GRCh37 (hg19) VCF-style: chr11-119077003-C-T.
Identifiers: ClinVar variation 302767 (VCV000302767.10), dbSNP rs7108857, ClinGen allele CA10633632.
Genomic context (GRCh38, chr11:119,206,293, plus strand): 5'-ACTCCCGGCGCCGCCCACTCCCCTCCCCACGGCCGCTCCTCCCTCCGCCCGGATAGCCGG[C>T]GGCGGCGGCGGCGGCGGCGGCGGCGGCGGCCGGGAGAGGCCCCTCCTTCACGCCCTGCTT-3'